The following is an entry in ClinVar:

NM_177438.3(DICER1):c.265_266del (p.Phe89fs)

Gene: DICER1 (dicer 1, ribonuclease III; minus strand). Cytogenetic location: 14q32.13.
Variant type: Deletion.
Coding change: c.265_266del on transcript NM_177438.3 (MANE Select); coding-DNA positions 265 to 266, 2 bases deleted (TT; older notation c.265_266delTT).
Protein change: p.Phe89fs; shifts the reading frame from phenylalanine 89.
Molecular consequence: frameshift variant.
Genome position (GRCh38, 1-based): chr14:95,132,556-95,132,557, AA deleted on the plus strand (TT on the coding strand, the reverse complement: DICER1 is on the minus strand). VCF-style (leftmost placement, unchanged base first): chr14-95132555-GAA-G. GRCh37 (hg19) VCF-style: chr14-95598892-GAA-G.
Other names: c.265_266del, p.Phe89fs (NM_001195573.1, NM_001271282.3, NM_001291628.2 and 1 more transcripts); short protein forms F89fs.
Identifiers: ClinVar variation 971656 (VCV000971656.9), dbSNP rs1894040158, ClinGen allele CA1139663738.

ClinVar aggregate classification (germline): Pathogenic/Likely pathogenic. Review status: criteria provided, multiple submitters, no conflicts (2 of 4 stars). 2 submissions from 2 submitters: Pathogenic (1); Likely pathogenic (1). Last evaluated 2025-10-23.

Conditions:
DICER1-related tumor predisposition. Also called: DICER1-related pleuropulmonary blastoma cancer predisposition syndrome; DICER1 syndrome. Identifiers: Orphanet 284343, MedGen C3839822, MONDO:0100216.

Submissions (2):

Labcorp Genetics (formerly Invitae), Labcorp
Classification: Pathogenic for DICER1-related tumor predisposition. Last evaluated: 2025-10-23. Review status: criteria provided, single submitter. Criteria: Invitae Variant Classification Sherloc (09022015). Collection method: clinical testing. Allele origin: germline.
Comment: This sequence change creates a premature translational stop signal (p.Phe89Glnfs*55) in the DICER1 gene. It is expected to result in an absent or disrupted protein product. Loss-of-function variants in DICER1 are known to be pathogenic (PMID: 19556464, 21266384). This variant is not present in population databases (gnomAD no frequency). This variant has not been reported in the literature in individuals affected with DICER1-related conditions. ClinVar contains an entry for this variant (Variation ID: 971656). For these reasons, this variant has been classified as Pathogenic.

Institute for Genomic Medicine (IGM) Clinical Laboratory, Nationwide Children's Hospital
Classification: Likely pathogenic for DICER1-related tumor predisposition. Last evaluated: 2025-04-09. Review status: criteria provided, single submitter. Criteria: ACMG Guidelines, 2015. Collection method: clinical testing. Allele origin: germline.
Comment: This variant is predicted to result in loss of function through nonsense-mediated decay of the encoded transcript or premature truncation of the encoded protein in a gene in which loss of function is a known mechanism of disease (ACMG/AMP: PVS1; PMIDs:26925222, 31342592). This variant is absent from or present at an exceedingly low frequency in gnomAD, a large-scale control population database (ACMG/AMP: PM2).

Literature cited by the submitters: PubMed 19556464 (cited by Labcorp Genetics (formerly Invitae), Labcorp); PubMed 21266384 (cited by Labcorp Genetics (formerly Invitae), Labcorp); PubMed 26925222 (cited by Institute for Genomic Medicine (IGM) Clinical Laboratory, Nationwide Children's Hospital); PubMed 31342592 (cited by Institute for Genomic Medicine (IGM) Clinical Laboratory, Nationwide Children's Hospital).